The following is an entry in ClinVar:

ClinVar aggregate classification (germline): Uncertain significance (1 of 4 stars; one submission).

Conditions:
MYO15A-related disorder. Also called: MYO15A-related condition.

Submission:

PreventionGenetics, part of Exact Sciences
Classification: Uncertain significance for MYO15A-related condition. Last evaluated: 2024-11-07. Review status: criteria provided, single submitter. Criteria: ACMG Guidelines, 2015. Collection method: clinical testing. Allele origin: germline.
Comment: The MYO15A c.5007G>C variant is predicted to result in the amino acid substitution p.Gln1669His. To our knowledge, this variant has not been reported in the literature. This variant is reported in 0.0027% of alleles in individuals of European (Non-Finnish) descent in gnomAD. At this time, the clinical significance of this variant is uncertain due to the absence of conclusive functional and genetic evidence.

NM_016239.4(MYO15A):c.5007G>C (p.Gln1669His)

Gene: MYO15A (myosin XVA; plus strand). Cytogenetic location: 17p11.2.
Variant type: single nucleotide variant.
Coding change: c.5007G>C on transcript NM_016239.4 (MANE Select); coding-DNA position 5007, G replaced by C.
Protein change: p.Gln1669His; replaces glutamine 1669 with histidine.
Molecular consequence: missense variant.
Genome position (GRCh38, 1-based): chr17:18,138,246, G>C. VCF-style: chr17-18138246-G-C. GRCh37 (hg19) VCF-style: chr17-18041560-G-C.
Other names: short protein forms Q1669H.
Identifiers: ClinVar variation 4997301 (VCV004997301.1).